The following is an entry in ClinVar:

ClinVar aggregate classification (germline): Uncertain significance. Review status: criteria provided, multiple submitters, no conflicts (2 of 4 stars). 2 submissions from 2 submitters: Uncertain significance (2). Last evaluated 2023-02-13.

Conditions:
Hereditary nonpolyposis colorectal neoplasms. Identifiers: MedGen C0009405, MeSH D003123.
Hereditary cancer-predisposing syndrome. Also called: Neoplastic Syndromes, Hereditary; Tumor predisposition; Hereditary Cancer Syndrome; Hereditary neoplastic syndrome. Identifiers: Orphanet 140162, MedGen C0027672, MeSH D009386, MONDO:0015356.

Allele frequency attached by ClinVar (database versions not stated): gnomAD exomes below 0.00001.
gnomAD v4.1: 4 of 1,614,218 alleles (0.00025%); highest among the groups gnomAD compares: Non-Finnish European, 0.00034%; no homozygotes.

Submissions (2):

Ambry Genetics
Classification: Uncertain significance for Hereditary cancer-predisposing syndrome. Last evaluated: 2023-02-13. Review status: criteria provided, single submitter. Criteria: Ambry Variant Classification Scheme 2023. Collection method: clinical testing. Allele origin: germline.
Comment: The p.K885N variant (also known as c.2655A>C), located in coding exon 4 of the MSH6 gene, results from an A to C substitution at nucleotide position 2655. The lysine at codon 885 is replaced by asparagine, an amino acid with similar properties. This amino acid position is not well conserved in available vertebrate species. In addition, this alteration is predicted to be tolerated by in silico analysis. Since supporting evidence is limited at this time, the clinical significance of this alteration remains unclear.

Labcorp Genetics (formerly Invitae), Labcorp
Classification: Uncertain significance for Hereditary nonpolyposis colorectal neoplasms. Last evaluated: 2017-09-27. Review status: criteria provided, single submitter. Criteria: Invitae Variant Classification Sherloc (09022015). Collection method: clinical testing. Allele origin: germline.
Comment: In summary, the available evidence is currently insufficient to determine the role of this variant in disease. Therefore, it has been classified as a Variant of Uncertain Significance. Algorithms developed to predict the effect of missense changes on protein structure and function do not agree on the potential impact of this missense change (SIFT: "Deleterious"; PolyPhen-2: "Benign"; Align-GVGD: "Class C0"). This variant has not been reported in the literature in individuals with MSH6-related disease. This variant is not present in population databases (ExAC no frequency). This sequence change replaces lysine with asparagine at codon 885 of the MSH6 protein (p.Lys885Asn). The lysine residue is moderately conserved and there is a moderate physicochemical difference between lysine and asparagine.

NM_000179.3(MSH6):c.2655A>C (p.Lys885Asn)

Gene: MSH6 (mutS homolog 6; plus strand). Cytogenetic location: 2p16.3.
Variant type: single nucleotide variant.
Coding change: c.2655A>C on transcript NM_000179.3 (MANE Select); coding-DNA position 2655, A replaced by C.
Protein change: p.Lys885Asn; replaces lysine 885 with asparagine.
Molecular consequence: missense variant.
Genome position (GRCh38, 1-based): chr2:47,800,638, A>C. VCF-style: chr2-47800638-A-C. GRCh37 (hg19) VCF-style: chr2-48027777-A-C.
Other names: c.2265A>C, p.Lys755Asn (NM_001281492.2); c.1749A>C, p.Lys583Asn (NM_001281493.2, NM_001281494.2); short protein forms K885N, K755N, K583N.
Identifiers: ClinVar variation 525617 (VCV000525617.12), dbSNP rs1553413977, ClinGen allele CA346755177.
Genomic context (GRCh38, chr2:47,800,638, plus strand): 5'-CAAAGTAATGTGTAAAATTATAGGGATCATGGAAGAAGTTGCTGATGGTTTTAAGTCTAA[A>C]ATCCTTAAGCAGGTCATCTCTCTGCAGACAAAAAATCCTGAAGGTCGTTTTCCTGATTTG-3'
Protein context (NP_000170.1, residues 875-895): MEEVADGFKS[Lys885Asn]ILKQVISLQT